The following is an entry in ClinVar:

NC_000009.12:g.35658037dup

Gene: RMRP (RNA component of mitochondrial RNA processing endoribonuclease; minus strand). Cytogenetic location: 9p13.3.
Variant type: Duplication.
Genome position: GRCh38 VCF-style: chr9-35658036-G-GA. GRCh37 (hg19) VCF-style: chr9-35658033-G-GA.
Identifiers: ClinVar variation 1510514 (VCV001510514.6), dbSNP rs1823648518, ClinGen allele CA1846127722.

ClinVar aggregate classification (germline): Uncertain significance (1 of 4 stars; one submission).

Conditions:
Anauxetic dysplasia. Identifiers: Orphanet 93347, MedGen C1846796, MONDO:0011773.

Allele frequency attached by ClinVar (database versions not stated): TOPMed 0.00001.

Submission:

Labcorp Genetics (formerly Invitae), Labcorp
Classification: Uncertain significance for Anauxetic dysplasia. Last evaluated: 2021-08-05. Review status: criteria provided, single submitter. Criteria: Invitae Variant Classification Sherloc (09022015). Collection method: clinical testing. Allele origin: germline.
Comment: In summary, the available evidence is currently insufficient to determine the role of this variant in disease. Therefore, it has been classified as a Variant of Uncertain Significance. Experimental studies and prediction algorithms are not available or were not evaluated, and the functional significance of this variant is currently unknown. This variant has not been reported in the literature in individuals affected with RMRP-related conditions. The frequency data for this variant in the population databases is considered unreliable, as metrics indicate insufficient coverage at this position in the ExAC database. This variant occurs in the RMRP gene, which encodes an RNA molecule that does not result in a protein product.